The following is an entry in ClinVar:

ClinVar aggregate classification (germline): Uncertain significance (1 of 4 stars; one submission).

Conditions:
Hereditary spastic paraplegia 39 (SPG39). Also called: Spastic Paraplegia Type 39 (SPG39); SPASTIC PARAPLEGIA 39, AUTOSOMAL RECESSIVE. Identifiers: Orphanet 139480, MedGen C2677586, MONDO:0012787, OMIM 612020.

Allele frequency attached by ClinVar (database versions not stated): ExAC 0.00001; gnomAD exomes 0.00001; TOPMed 0.00001; ESP Exome Variant Server 0.00008.
gnomAD v4.1: 18 of 1,612,408 alleles (0.0011%); highest among the groups gnomAD compares: Non-Finnish European, 0.0015%; no homozygotes.

Submission:

Labcorp Genetics (formerly Invitae), Labcorp
Classification: Uncertain significance for Hereditary spastic paraplegia 39. Last evaluated: 2021-11-27. Review status: criteria provided, single submitter. Criteria: Invitae Variant Classification Sherloc (09022015). Collection method: clinical testing. Allele origin: germline.
Comment: In summary, the available evidence is currently insufficient to determine the role of this variant in disease. Therefore, it has been classified as a Variant of Uncertain Significance. Algorithms developed to predict the effect of missense changes on protein structure and function (SIFT, PolyPhen-2, Align-GVGD) all suggest that this variant is likely to be tolerated. This variant has not been reported in the literature in individuals affected with PNPLA6-related conditions. This variant is present in population databases (rs369420098, gnomAD 0.002%). This sequence change replaces glutamine, which is neutral and polar, with glutamic acid, which is acidic and polar, at codon 840 of the PNPLA6 protein (p.Gln840Glu).

NM_001166114.2(PNPLA6):c.2632C>G (p.Gln878Glu)

Gene: PNPLA6 (patatin like domain 6, lysophospholipase; plus strand). Cytogenetic location: 19p13.2.
Variant type: single nucleotide variant.
Coding change: c.2632C>G on transcript NM_001166114.2 (MANE Select); coding-DNA position 2632, C replaced by G.
Protein change: p.Gln878Glu; replaces glutamine 878 with glutamic acid.
Molecular consequence: missense variant.
Genome position (GRCh38, 1-based): chr19:7,554,721, C>G. VCF-style: chr19-7554721-C-G. GRCh37 (hg19) VCF-style: chr19-7619607-C-G.
Other names: c.2662C>G, p.Gln888Glu (NM_001166111.2); c.2437C>G, p.Gln813Glu (NM_001166112.2); c.2518C>G, p.Gln840Glu (NM_001166113.1, NM_006702.5); short protein forms Q813E, Q878E, Q840E, Q888E.
Identifiers: ClinVar variation 1468850 (VCV001468850.5), dbSNP rs369420098, ClinGen allele CA9140170.